The following is an entry in ClinVar:

ClinVar aggregate classification (germline): Uncertain significance (1 of 4 stars; one submission).

Submission:

GeneDx
Classification: Uncertain significance. Last evaluated: 2024-04-05. Review status: criteria provided, single submitter. Criteria: GeneDx Variant Classification Process June 2021. Collection method: clinical testing. Allele origin: germline. Affected: yes.
Comment: Not observed at significant frequency in large population cohorts (gnomAD); In silico analysis indicates that this variant does not alter splicing; Has not been previously published as pathogenic or benign to our knowledge

NM_020795.4(NLGN2):c.509-3C>T

Gene: NLGN2 (neuroligin 2; plus strand). Cytogenetic location: 17p13.1.
Variant type: single nucleotide variant.
Coding change: c.509-3C>T on transcript NM_020795.4 (MANE Select); 3 bases into the intron before coding-DNA position 509, C replaced by T.
Molecular consequence: intron variant.
Genome position (GRCh38, 1-based): chr17:7,414,341, C>T. VCF-style: chr17-7414341-C-T. GRCh37 (hg19) VCF-style: chr17-7317660-C-T.
Identifiers: ClinVar variation 3371144 (VCV003371144.1).